The following is an entry in ClinVar:

NM_014698.3(TMEM63A):c.1657G>A (p.Gly553Ser)

Gene: TMEM63A (transmembrane protein 63A; minus strand). Cytogenetic location: 1q42.12.
Variant type: single nucleotide variant.
Coding change: c.1657G>A on transcript NM_014698.3 (MANE Select); coding-DNA position 1657, G replaced by A.
Protein change: p.Gly553Ser; replaces glycine 553 with serine.
Molecular consequence: missense variant.
Genome position (GRCh38, 1-based): chr1:225,853,769, C>T on the plus strand (G>A on the coding strand, the complement: TMEM63A is on the minus strand). VCF-style: chr1-225853769-C-T. GRCh37 (hg19) VCF-style: chr1-226041470-C-T.
Other names: short protein forms G553S.
Identifiers: ClinVar variation 3900603 (VCV003900603.1).
Genomic context (GRCh38, chr1:225,853,769, plus strand): 5'-GCAGCTCCATGCCATTGCCGATGAAGGCCGAGGCGATGACATAGTTCACAAAGAAGGCAC[C>T]CTGGTCAGGCAGGAAGACGCACCTGGGGAAACCAGGGCCCAGGTCTGTGAGCTGAGAGCC-3'
Protein context (NP_055513.2, residues 543-563): RLECVFLPDQ[Gly553Ser]AFFVNYVIAS

ClinVar aggregate classification (germline): Likely pathogenic (1 of 4 stars; one submission).

Conditions:
Leukodystrophy, hypomyelinating, 19, transient infantile. Identifiers: MedGen C5231463, MONDO:0032871, OMIM 618688.

Submission:

Pediatric Department, Peking University First Hospital
Classification: Likely pathogenic for Leukodystrophy, hypomyelinating, 19, transient infantile. Last evaluated: 2025-02-19. Review status: criteria provided, single submitter. Criteria: ACMG Guidelines, 2015. Collection method: research. Allele origin: de novo. Affected: yes.
Comment: The NM_014698.3:c.1657G>A, is a missense variant in TMEM63A which was predicted to be de novo with no family history, confirming by Next-Generation Sequencing and Sanger sequencing (PS2). Not observed at significant frequency in large population cohorts (gnomAD, Exome, 1000 Genomes and ExAC) (PM2). This novel missense variant change at an amino acid residue where a different missense change determined to be pathogenic has been seen before (PMID:31587869) (PM5). The variant was predicted to be damaging by multiple silico tools, including VariantTaster, SIFT, Polyphen-2 and M-Cap, and the CADD score was 27.9 (PP3). In summary, the variant was classified as likely pathogenic for HLD19 based on the ACMG criteria applied: PS2, PM2, PM5, PP3.